The following is an entry in ClinVar:

NM_000257.4(MYH7):c.*113G>A

Gene: MYH7 (myosin heavy chain 7; minus strand). Cytogenetic location: 14q11.2.
Variant type: single nucleotide variant.
Coding change: c.*113G>A on transcript NM_000257.4 (MANE Select); 113 bases downstream of the stop codon, G replaced by A.
Molecular consequence: 3 prime UTR variant.
Genome position (GRCh38, 1-based): chr14:23,412,741, C>T on the plus strand (G>A on the coding strand, the complement: MYH7 is on the minus strand). VCF-style: chr14-23412741-C-T. GRCh37 (hg19) VCF-style: chr14-23881950-C-T.
Other names: c.*113G>A (LRG_384t1).
Identifiers: ClinVar variation 312887 (VCV000312887.12), dbSNP rs17794387, ClinGen allele CA10643989.

ClinVar aggregate classification (germline): Benign/Likely benign. Review status: criteria provided, multiple submitters, no conflicts (2 of 4 stars). 5 submissions from 5 submitters: Benign (2); Likely benign (1). 2 of the submissions do not count toward it. Last evaluated 2018-01-13.

Conditions:
Hypertrophic cardiomyopathy 1 (CMH1). Also called: MYH7-Related Familial Hypertrophic Cardiomyopathy; Familial hypertrophic cardiomyopathy 1. Identifiers: MedGen C3495498, MONDO:0008647, OMIM 192600.

Allele frequency attached by ClinVar (database versions not stated): 1000 Genomes Project 30x 0.06059; TOPMed 0.06124; 1000 Genomes Project 0.06370; gnomAD 0.06427 and 0.06449.
gnomAD v4.1: 97,828 of 1,298,592 alleles (7.5%); highest among the groups gnomAD compares: South Asian, 10%; 3,967 homozygotes.

Submissions (5):

Illumina Laboratory Services, Illumina
Classification: Benign for Hypertrophic cardiomyopathy 1. Last evaluated: 2018-01-13. Review status: criteria provided, single submitter. Criteria: ICSL Variant Classification Criteria 13 December 2019. Collection method: clinical testing. Allele origin: germline.
Comment: This variant was observed in the ICSL laboratory as part of a predisposition screen in an ostensibly healthy population. It had not been previously curated by ICSL or reported in the Human Gene Mutation Database (HGMD: prior to June 1st, 2018), and was therefore a candidate for classification through an automated scoring system. Utilizing variant allele frequency, disease prevalence and penetrance estimates, and inheritance mode, an automated score was calculated to assess if this variant is too frequent to cause the disease. Based on the score and internal cut-off values, a variant classified as benign is not then subjected to further curation. The score for this variant resulted in a classification of benign for this disease.

GeneDx
Classification: Benign. Last evaluated: 2015-03-03. Review status: criteria provided, single submitter. Criteria: GeneDx Variant Classification Process June 2021. Collection method: clinical testing. Allele origin: germline. Affected: yes.

Breakthrough Genomics
Classification: Likely benign. Review status: criteria provided, single submitter. Criteria: ACMG Guidelines, 2015. Collection method: not provided. Allele origin: germline. Inheritance: Autosomal recessive inheritance. Affected: yes.

Genome Diagnostics Laboratory, University Medical Center Utrecht
Classification: Benign. Review status: no assertion criteria provided. Collection method: clinical testing. Allele origin: germline. Affected: yes. Study: VKGL Data-share Consensus. Not counted in ClinVar's aggregate classification.

Joint Genome Diagnostic Labs from Nijmegen and Maastricht, Radboudumc and MUMC+
Classification: Benign. Review status: no assertion criteria provided. Collection method: clinical testing. Allele origin: germline. Affected: yes. Study: VKGL Data-share Consensus. Not counted in ClinVar's aggregate classification.